The following is an entry in ClinVar:

NM_020911.2(PLXNA4):c.5070G>A (p.Lys1690=)

Gene: PLXNA4 (plexin A4; minus strand). Cytogenetic location: 7q32.3.
Variant type: single nucleotide variant.
Coding change: c.5070G>A on transcript NM_020911.2 (MANE Select); coding-DNA position 5070, G replaced by A.
Protein change: p.Lys1690=; no amino-acid change (lysine 1690 retained).
Molecular consequence: synonymous variant.
Genome position (GRCh38, 1-based): chr7:132,145,274, C>T on the plus strand (G>A on the coding strand, the complement: PLXNA4 is on the minus strand). VCF-style: chr7-132145274-C-T. GRCh37 (hg19) VCF-style: chr7-131830033-C-T.
Other names: c.5070G>A, p.Lys1690= (NM_001393897.1).
Identifiers: ClinVar variation 3354874 (VCV003354874.1).

ClinVar aggregate classification (germline): Likely benign (0 of 4 stars; one submission).

Conditions:
PLXNA4-related disorder. Also called: PLXNA4-related condition.

gnomAD v4.1: 5 of 1,614,098 alleles (0.00031%); highest among the groups gnomAD compares: Admixed American, 0.0017%; no homozygotes.

Submission:

PreventionGenetics, part of Exact Sciences
Classification: Likely benign for PLXNA4-related condition. Last evaluated: 2023-03-29. Review status: no assertion criteria provided. Collection method: clinical testing. Allele origin: germline.
Comment: This variant is classified as likely benign based on ACMG/AMP sequence variant interpretation guidelines (Richards et al. 2015 PMID: 25741868, with internal and published modifications).